The following is an entry in ClinVar:

ClinVar aggregate classification (germline): Uncertain significance. Review status: criteria provided, multiple submitters, no conflicts (2 of 4 stars). 3 submissions from 3 submitters: Uncertain significance (3). Last evaluated 2024-10-31.

Allele frequency attached by ClinVar (database versions not stated): gnomAD exomes 0.00004 and 0.00005; gnomAD 0.00005; TOPMed 0.00006; ExAC 0.00007; ESP Exome Variant Server 0.00008.
gnomAD v4.1: 68 of 1,536,906 alleles (0.0044%); highest among the groups gnomAD compares: Non-Finnish European, 0.0057%; no homozygotes.

Submissions (3):

GeneDx
Classification: Uncertain significance. Last evaluated: 2024-10-31. Review status: criteria provided, single submitter. Criteria: GeneDx Variant Classification Process June 2021. Collection method: clinical testing. Allele origin: germline. Affected: yes.
Comment: In silico analysis supports that this missense variant has a deleterious effect on protein structure/function; Has not been previously published as pathogenic or benign to our knowledge

Blueprint Genetics
Classification: Uncertain significance. Last evaluated: 2024-05-03. Review status: criteria provided, single submitter. Criteria: ACMG Guidelines, 2015. Collection method: clinical testing. Allele origin: germline.

Labcorp Genetics (formerly Invitae), Labcorp
Classification: Uncertain significance. Last evaluated: 2023-11-27. Review status: criteria provided, single submitter. Criteria: Invitae Variant Classification Sherloc (09022015). Collection method: clinical testing. Allele origin: germline.
Comment: This sequence change replaces tyrosine, which is neutral and polar, with cysteine, which is neutral and slightly polar, at codon 79 of the CWC27 protein (p.Tyr79Cys). This variant is present in population databases (rs373067401, gnomAD 0.01%). This variant has not been reported in the literature in individuals affected with CWC27-related conditions. ClinVar contains an entry for this variant (Variation ID: 1009083). An algorithm developed to predict the effect of missense changes on protein structure and function (PolyPhen-2) suggests that this variant is likely to be disruptive. In summary, the available evidence is currently insufficient to determine the role of this variant in disease. Therefore, it has been classified as a Variant of Uncertain Significance.

NM_005869.4(CWC27):c.236A>G (p.Tyr79Cys)

Gene: CWC27 (CWC27 spliceosome associated cyclophilin; plus strand). Cytogenetic location: 5q12.3.
Variant type: single nucleotide variant.
Coding change: c.236A>G on transcript NM_005869.4 (MANE Select); coding-DNA position 236, A replaced by G.
Protein change: p.Tyr79Cys; replaces tyrosine 79 with cysteine.
Molecular consequence: missense variant.
Genome position (GRCh38, 1-based): chr5:64,782,017, A>G. VCF-style: chr5-64782017-A-G. GRCh37 (hg19) VCF-style: chr5-64077844-A-G.
Other names: c.236A>G, p.Tyr79Cys (NM_001297644.1, NM_001297645.2, NM_001318000.2 and 1 more transcripts); c.236A>G (NM_005869.3); short protein forms Y79C.
Identifiers: ClinVar variation 1009083 (VCV001009083.8), dbSNP rs373067401, ClinGen allele CA3281882.